The following is an entry in ClinVar:

NM_020975.6(RET):c.2734C>T (p.Arg912Trp)

Gene: RET (ret proto-oncogene; plus strand). Cytogenetic location: 10q11.21.
Variant type: single nucleotide variant.
Coding change: c.2734C>T on transcript NM_020975.6 (MANE Select); coding-DNA position 2734, C replaced by T.
Protein change: p.Arg912Trp; replaces arginine 912 with tryptophan.
Molecular consequence: missense variant.
Genome position (GRCh38, 1-based): chr10:43,121,949, C>T. VCF-style: chr10-43121949-C-T. GRCh37 (hg19) VCF-style: chr10-43617397-C-T.
Other names: c.2734C>T, p.Arg912Trp (NM_020629.2, NM_020630.7, NM_000323.2 and 4 more transcripts); c.2605C>T, p.Arg869Trp (NM_001406764.1, NM_001406761.1, NM_001406762.1); c.2599C>T, p.Arg867Trp (NM_001406765.1, NM_001406763.1); c.2446C>T, p.Arg816Trp (NM_001406766.1, NM_001406767.1, NM_001406770.1); c.2470C>T, p.Arg824Trp (NM_001406768.1); c.2338C>T, p.Arg780Trp (NM_001406769.1, NM_001406772.1); c.2296C>T, p.Arg766Trp (NM_001406771.1, NM_001406773.1); c.1708C>T, p.Arg570Trp (NM_001406783.1, NM_001406786.1); and 10 more; short protein forms R658W, R912W, R429W, R613W, R737W, R517W, R573W, R582W.
Identifiers: ClinVar variation 1054968 (VCV001054968.11), dbSNP rs1838227061, ClinGen allele CA376557400.

ClinVar aggregate classification (germline): Uncertain significance. Review status: criteria provided, multiple submitters, no conflicts (2 of 4 stars). 2 submissions from 2 submitters: Uncertain significance (2). Last evaluated 2026-03-12.

Conditions:
Multiple endocrine neoplasia, type 2 (MEN2). Identifiers: Orphanet 653, MedGen C4048306, MONDO:0019003. Disease mechanism: gain of function.

Allele frequency attached by ClinVar (database versions not stated): TOPMed below 0.00001.

Submissions (2):

GeneDx
Classification: Uncertain significance. Last evaluated: 2026-03-12. Review status: criteria provided, single submitter. Criteria: GeneDx Variant Classification Process June 2021. Collection method: clinical testing. Allele origin: germline.
Comment: Not observed at significant frequency in large population cohorts (gnomAD); In silico analysis supports that this missense variant has a deleterious effect on protein structure/function; Has not been previously published in the germline as pathogenic or benign to our knowledge; This variant is associated with the following publications: (PMID: 14633923, 28796396)

Labcorp Genetics (formerly Invitae), Labcorp
Classification: Uncertain significance for Multiple endocrine neoplasia, type 2. Last evaluated: 2020-07-13. Review status: criteria provided, single submitter. Criteria: Invitae Variant Classification Sherloc (09022015). Collection method: clinical testing. Allele origin: germline.
Comment: In summary, the available evidence is currently insufficient to determine the role of this variant in disease. Therefore, it has been classified as a Variant of Uncertain Significance. Algorithms developed to predict the effect of missense changes on protein structure and function are either unavailable or do not agree on the potential impact of this missense change (SIFT: "Deleterious"; PolyPhen-2: "Probably Damaging"; Align-GVGD: "Class C0"). This variant has not been reported in the literature in individuals with RET-related conditions. This variant is not present in population databases (ExAC no frequency). This sequence change replaces arginine with tryptophan at codon 912 of the RET protein (p.Arg912Trp). The arginine residue is highly conserved and there is a moderate physicochemical difference between arginine and tryptophan.